The following is an entry in ClinVar:

ClinVar aggregate classification (germline): Benign. Review status: criteria provided, multiple submitters, no conflicts (2 of 4 stars). 3 submissions from 3 submitters: Benign (3). Last evaluated 2023-11-12.

Allele frequency attached by ClinVar (database versions not stated): gnomAD exomes 0.59183; gnomAD 0.66346 and 0.66834; TOPMed 0.67279; 1000 Genomes Project 0.68191.
gnomAD v4.1: 571,741 of 946,322 alleles (60%); highest among the groups gnomAD compares: African/African-American, 83%; 176,187 homozygotes.

Submissions (3):

Unidad de Genómica Garrahan, Hospital de Pediatría Garrahan
Classification: Benign. Last evaluated: 2023-11-12. Review status: criteria provided, single submitter. Criteria: ACMG Guidelines, 2015. Collection method: clinical testing. Allele origin: germline. Affected: no. Observed: 68 variant alleles.
Comment: This variant is classified as Benign based on local population frequency. This variant was detected in 71% of patients studied by a panel of primary immunodeficiencies. Number of patients: 68. Only high quality variants are reported.

GeneDx
Classification: Benign. Last evaluated: 2018-06-22. Review status: criteria provided, single submitter. Criteria: GeneDx Variant Classification Process June 2021. Collection method: clinical testing. Allele origin: germline. Affected: yes.

Breakthrough Genomics
Classification: Benign. Review status: criteria provided, single submitter. Criteria: ACMG Guidelines, 2015. Collection method: not provided. Allele origin: germline. Inheritance: Autosomal recessive inheritance. Affected: yes.

NM_000051.4(ATM):c.2467-123T>A

Gene: ATM (ATM serine/threonine kinase; plus strand). Cytogenetic location: 11q22.3.
Variant type: single nucleotide variant.
Coding change: c.2467-123T>A on transcript NM_000051.4 (MANE Select); 123 bases into the intron before coding-DNA position 2467, T replaced by A.
Molecular consequence: intron variant.
Genome position (GRCh38, 1-based): chr11:108,267,048, T>A. VCF-style: chr11-108267048-T-A. GRCh37 (hg19) VCF-style: chr11-108137775-T-A.
Other names: c.2467-123T>A (NM_001351834.2).
Identifiers: ClinVar variation 1252631 (VCV001252631.5), dbSNP rs642496, ClinGen allele CA13395976.